The following is an entry in ClinVar:

ClinVar aggregate classification (germline): Pathogenic (1 of 4 stars; one submission).

Conditions:
Autosomal recessive nonsyndromic hearing loss 4 (DFNB4). Also called: DEAFNESS, AUTOSOMAL RECESSIVE 4, WITH ENLARGED VESTIBULAR AQUEDUCT, DIGENIC; Deafness, autosomal recessive 4, with enlarged vestibular aqueduct; Deafness, autosomal recessive 4; Enlarged vestibular aqueduct, digenic; NEUROSENSORY NONSYNDROMIC RECESSIVE DEAFNESS 4; FOXI1-Related Pendred Syndrome. Identifiers: Orphanet 90636, MedGen C3538946, MONDO:0010933, OMIM 600791.

Submission:

3billion
Classification: Pathogenic for Autosomal recessive nonsyndromic hearing loss 4. Last evaluated: 2022-01-03. Review status: criteria provided, single submitter. Criteria: ACMG Guidelines, 2015. Collection method: clinical testing. Allele origin: germline. Affected: yes. Observed: 1 homozygote.
Comment: Frameshift: predicted to result in a loss or disruption of normal protein function through nonsense-mediated decay (NMD) or protein truncation. Multiple pathogenic variants are reported downstream of the variant (PVS1_VS). It is not observed in the gnomAD v2.1.1 dataset (PM2_M). Patient’s phenotype is considered compatible with SLC26A4-related disorder (PP4_P). Therefore, this variant is classified as pathogenic according to the recommendation of ACMG/AMP guideline.

NM_000441.2(SLC26A4):c.2028del (p.Arg677fs)

Gene: SLC26A4 (solute carrier family 26 member 4; plus strand). Cytogenetic location: 7q22.3.
Variant type: Deletion.
Coding change: c.2028del on transcript NM_000441.2 (MANE Select); coding-DNA position 2028, one base deleted (G; older notation c.2028delG).
Protein change: p.Arg677fs; shifts the reading frame from arginine 677.
Molecular consequence: frameshift variant.
Genome position (GRCh38, 1-based): chr7:107,702,051, G deleted. VCF-style (leftmost placement, unchanged base first): chr7-107702050-TG-T. GRCh37 (hg19) VCF-style: chr7-107342495-TG-T.
Other names: short protein forms R677fs.
Identifiers: ClinVar variation 1333518 (VCV001333518.1), dbSNP rs2129318300, ClinGen allele CA2573052790.
Genomic context (GRCh38, chr7:107,702,050, plus strand): 5'-ATAGCCTTGTGCTTGACTGTGGAGCTATATCTTTCCTGGACGTTGTTGGAGTGAGATCAC[TG>T]CGGGTGGTAAGGTTCTGGTTTTCTGAATTATACATTTGGAGCTTTGGCAATAGTAAAATG-3'